The following is an entry in ClinVar:

NM_001374736.1(DST):c.3949A>T (p.Ile1317Phe)

Gene: DST (dystonin; minus strand). Cytogenetic location: 6p12.1.
Variant type: single nucleotide variant.
Coding change: c.3949A>T on transcript NM_001374736.1 (MANE Select); coding-DNA position 3949, A replaced by T.
Protein change: p.Ile1317Phe; replaces isoleucine 1317 with phenylalanine.
Molecular consequence: missense variant.
Genome position (GRCh38, 1-based): chr6:56,631,897, T>A on the plus strand (A>T on the coding strand, the complement: DST is on the minus strand). VCF-style: chr6-56631897-T-A. GRCh37 (hg19) VCF-style: chr6-56496695-T-A.
Other names: c.3949A>T, p.Ile1317Phe (NM_001374722.1); c.3316A>T, p.Ile1106Phe (NM_001386100.1, NM_001374729.1, NM_001374730.1 and 1 more transcripts); c.2338A>T, p.Ile780Phe (NM_001723.7, NM_015548.5); c.3976A>T, p.Ile1326Phe (NM_001374734.1); c.3850A>T, p.Ile1284Phe (NM_001144769.5); c.3436A>T, p.Ile1146Phe (NM_001144770.2); short protein forms I780F, I1284F, I1106F, I1146F, I1317F, I1326F.
Identifiers: ClinVar variation 571236 (VCV000571236.9), dbSNP rs749922320, ClinGen allele CA364574772.
Genomic context (GRCh38, chr6:56,631,897, plus strand): 5'-TCATTAAGAGAGTTAGTTTTTTTCCCAACATATTTATAGCTCTCACCTCCTGTTCTGTGA[T>A]TCTGAACACACTTTCATGCAAATCATCTCTTTCCAGGGGAGTTCGAATCTGTCTAATCAG-3'
Protein context (NP_001361665.1, residues 1307-1327): RDDLHESVFR[Ile1317Phe]TEQEKLKKEL

ClinVar aggregate classification (germline): Uncertain significance (1 of 4 stars; one submission).

Conditions:
Hereditary sensory and autonomic neuropathy type 6. Also called: Neuropathy, hereditary sensory and autonomic, type VI; HSAN VI. Identifiers: Orphanet 314381, MedGen C3539003, MONDO:0013839, OMIM 614653.
Epidermolysis bullosa simplex 3, localized or generalized intermediate, with BP230 deficiency (EBS3). Also called: Epidermolysis bullosa simplex due to BP230 deficiency; Epidermolysis bullosa simplex, autosomal recessive 2. Identifiers: Orphanet 412181, MedGen C3809470, MONDO:0014180, OMIM 615425.

Submission:

Labcorp Genetics (formerly Invitae), Labcorp
Classification: Uncertain significance for Epidermolysis bullosa simplex 3, localized or generalized intermediate, with BP230 deficiency; Hereditary sensory and autonomic neuropathy type 6. Last evaluated: 2018-02-08. Review status: criteria provided, single submitter. Criteria: Invitae Variant Classification Sherloc (09022015). Collection method: clinical testing. Allele origin: germline.
Comment: In summary, the available evidence is currently insufficient to determine the role of this variant in disease. Therefore, it has been classified as a Variant of Uncertain Significance. Algorithms developed to predict the effect of missense changes on protein structure and function do not agree on the potential impact of this missense change (SIFT: "Deleterious"; PolyPhen-2: "Probably Damaging"; Align-GVGD: "Class C15"). This variant has not been reported in the literature in individuals with DST-related disease. This variant is not present in population databases (ExAC no frequency). This sequence change replaces isoleucine with phenylalanine at codon 780 of the DST protein (p.Ile780Phe). The isoleucine residue is highly conserved and there is a small physicochemical difference between isoleucine and phenylalanine.